The following is an entry in ClinVar:

ClinVar aggregate classification (germline): Benign. Review status: criteria provided, multiple submitters, no conflicts (2 of 4 stars). 2 submissions from 2 submitters: Benign (2). Last evaluated 2018-06-15.

Allele frequency attached by ClinVar (database versions not stated): 1000 Genomes Project 0.74002; 1000 Genomes Project 30x 0.74235; TOPMed 0.76190; gnomAD 0.78018; gnomAD exomes 0.82072.
gnomAD v4.1: 993,226 of 1,220,360 alleles (81%); highest among the groups gnomAD compares: Admixed American, 84%; 406,428 homozygotes.

Submissions (2):

GeneDx
Classification: Benign. Last evaluated: 2018-06-15. Review status: criteria provided, single submitter. Criteria: GeneDx Variant Classification (06012015). Collection method: clinical testing. Allele origin: germline. Affected: yes.
Comment: This variant is considered likely benign or benign based on one or more of the following criteria: it is a conservative change, it occurs at a poorly conserved position in the protein, it is predicted to be benign by multiple in silico algorithms, and/or has population frequency not consistent with disease.

Breakthrough Genomics
Classification: Benign. Review status: criteria provided, single submitter. Criteria: ACMG Guidelines, 2015. Collection method: not provided. Allele origin: germline. Inheritance: Autosomal dominant inheritance. Affected: yes.

NM_001035.3(RYR2):c.6023-99T>C

Gene: RYR2 (ryanodine receptor 2; plus strand). Cytogenetic location: 1q43.
Variant type: single nucleotide variant.
Coding change: c.6023-99T>C on transcript NM_001035.3 (MANE Select); 99 bases into the intron before coding-DNA position 6023, T replaced by C.
Molecular consequence: intron variant.
Genome position (GRCh38, 1-based): chr1:237,625,562, T>C. VCF-style: chr1-237625562-T-C. GRCh37 (hg19) VCF-style: chr1-237788862-T-C.
Identifiers: ClinVar variation 671770 (VCV000671770.2), dbSNP rs571026, ClinGen allele CA39837939.
Genomic context (GRCh38, chr1:237,625,562, plus strand): 5'-TTATTTATGAGGGCTGGTAAGCAACATTGCTTAACTTAATGTTAGATGTTTTTGACATTG[T>C]TCTAAGTTGTGCATGAAAGAAATTACAAGGCCTCAGAATTATTTGCCCAAGTGTATTCTT-3'